The following is an entry in ClinVar:

NM_001242896.3(DEPDC5):c.268G>A (p.Val90Ile)

Gene: DEPDC5 (DEP domain containing 5, GATOR1 subcomplex subunit; plus strand). Cytogenetic location: 22q12.2.
Variant type: single nucleotide variant.
Coding change: c.268G>A on transcript NM_001242896.3 (MANE Select); coding-DNA position 268, G replaced by A.
Protein change: p.Val90Ile; replaces valine 90 with isoleucine.
Molecular consequence: missense variant. On other transcripts: non-coding transcript variant (5).
Genome position (GRCh38, 1-based): chr22:31,765,049, G>A. VCF-style: chr22-31765049-G-A. GRCh37 (hg19) VCF-style: chr22-32161035-G-A.
Other names: c.268G>A, p.Val90Ile (NM_001007188.4, NM_001136029.4, NM_001242897.2 and 9 more transcripts); short protein forms V90I.
Identifiers: ClinVar variation 264750 (VCV000264750.11), dbSNP rs768456731, ClinGen allele CA10195891.

ClinVar aggregate classification (germline): Uncertain significance. Review status: criteria provided, multiple submitters, no conflicts (2 of 4 stars). 4 submissions from 4 submitters: Uncertain significance (2). 2 of the submissions do not count toward it. Last evaluated 2024-11-21.

Conditions:
Familial focal epilepsy with variable foci (FPEVF). Identifiers: Orphanet 98820, MedGen C1858477, MONDO:0020310.
Self-limited epilepsy with centrotemporal spikes. Also called: Childhood epilepsy with centrotemporal spikes; Rolandic epilepsy. Identifiers: Orphanet 1945, MedGen C0376532, MONDO:0007295.
Epilepsy, familial focal, with variable foci 1 (FFEVF1). Also called: DEPDC5-Related Epilepsy. Identifiers: MedGen C4551983, MONDO:0024556, OMIM 604364.

Allele frequency attached by ClinVar (database versions not stated): ExAC 0.00001; gnomAD exomes 0.00002; gnomAD 0.00001.
gnomAD v4.1: 12 of 1,612,688 alleles (0.00074%); highest among the groups gnomAD compares: Middle Eastern, 0.016%; no homozygotes.

Submissions (4):

Blueprint Genetics
Classification: Uncertain significance. Last evaluated: 2024-11-21. Review status: criteria provided, single submitter. Criteria: ACMG Guidelines, 2015. Collection method: clinical testing. Allele origin: germline.

Labcorp Genetics (formerly Invitae), Labcorp
Classification: Uncertain significance for Familial focal epilepsy with variable foci. Last evaluated: 2024-01-10. Review status: criteria provided, single submitter. Criteria: Invitae Variant Classification Sherloc (09022015). Collection method: clinical testing. Allele origin: germline.
Comment: This sequence change replaces valine, which is neutral and non-polar, with isoleucine, which is neutral and non-polar, at codon 90 of the DEPDC5 protein (p.Val90Ile). This variant is present in population databases (rs768456731, gnomAD 0.003%). This missense change has been observed in individual(s) with Rolandic epilepsy (PMID: 24591017). ClinVar contains an entry for this variant (Variation ID: 264750). Algorithms developed to predict the effect of variants on protein structure and function are not available or were not evaluated for this variant. Experimental studies have shown that this missense change does not substantially affect DEPDC5 function (PMID: 25366275). In summary, the available evidence is currently insufficient to determine the role of this variant in disease. Therefore, it has been classified as a Variant of Uncertain Significance.

Bioinformatics Core, Luxembourg Center for Systems Biomedicine
Classification: Pathogenic for Self-limited epilepsy with centrotemporal spikes. Last evaluated: 2017-01-01. Review status: no assertion criteria provided. Collection method: case-control. Allele origin: germline. Affected: yes. Study: EUROEPINOMICS COGIE. Not counted in ClinVar's aggregate classification.

GeneReviews
No classification provided. Condition: Epilepsy, familial focal, with variable foci 1. Review status: no classification provided. Collection method: literature only. Allele origin: germline. Affected: yes. Not counted in ClinVar's aggregate classification.

Literature cited by the submitters: PubMed 24591017 (cited by Labcorp Genetics (formerly Invitae), Labcorp and GeneReviews); PubMed 25366275 (cited by Labcorp Genetics (formerly Invitae), Labcorp); PubMed 29358611 (cited by Bioinformatics Core, Luxembourg Center for Systems Biomedicine); NCBI Bookshelf NBK385626 (cited by GeneReviews).